The following is an entry in ClinVar:

NM_020207.7(ERCC6L2):c.4526C>T (p.Ala1509Val)

Gene: ERCC6L2 (ERCC excision repair 6 like 2; plus strand). Cytogenetic location: 9q22.32.
Variant type: single nucleotide variant.
Coding change: c.4526C>T on transcript NM_020207.7 (MANE Select); coding-DNA position 4526, C replaced by T.
Protein change: p.Ala1509Val; replaces alanine 1509 with valine.
Molecular consequence: missense variant. On other transcripts: non-coding transcript variant (1), intron variant (2).
Genome position (GRCh38, 1-based): chr9:96,013,076, C>T. VCF-style: chr9-96013076-C-T. GRCh37 (hg19) VCF-style: chr9-98775358-C-T.
Other names: c.3674+8375C>T (NM_001375291.1, NM_001375292.1); short protein forms A1509V.
Identifiers: ClinVar variation 1902711 (VCV001902711.5), dbSNP rs1389710533, ClinGen allele CA466124223.

ClinVar aggregate classification (germline): Uncertain significance (1 of 4 stars; one submission).

Allele frequency attached by ClinVar (database versions not stated): gnomAD exomes below 0.00001; TOPMed below 0.00001.
gnomAD v4.1: 1 of 1,367,658 alleles (0.000073%); highest among the groups gnomAD compares: East Asian, 0.0045%; no homozygotes.

Submission:

Labcorp Genetics (formerly Invitae), Labcorp
Classification: Uncertain significance. Last evaluated: 2022-07-27. Review status: criteria provided, single submitter. Criteria: Invitae Variant Classification Sherloc (09022015). Collection method: clinical testing. Allele origin: germline.
Comment: Algorithms developed to predict the effect of missense changes on protein structure and function are either unavailable or do not agree on the potential impact of this missense change (SIFT: "Tolerated"; PolyPhen-2: "Not Available"; Align-GVGD: "Class C0"). In summary, the available evidence is currently insufficient to determine the role of this variant in disease. Therefore, it has been classified as a Variant of Uncertain Significance. This variant has not been reported in the literature in individuals affected with ERCC6L2-related conditions. This variant is present in population databases (no rsID available, gnomAD 0.006%). This sequence change replaces alanine, which is neutral and non-polar, with valine, which is neutral and non-polar, at codon 1520 of the ERCC6L2 protein (p.Ala1520Val).